The following is an entry in ClinVar:

NM_000212.3(ITGB3):c.830A>T (p.Asp277Val)

Genes: ITGB3 (integrin subunit beta 3; plus strand), LOC130061045 (ATAC-STARR-seq lymphoblastoid active region 12309; plus strand). Cytogenetic location: 17q21.32.
Variant type: single nucleotide variant.
Coding change: c.830A>T on transcript NM_000212.3 (MANE Select); coding-DNA position 830, A replaced by T.
Protein change: p.Asp277Val; replaces aspartic acid 277 with valine.
Molecular consequence: missense variant.
Genome position (GRCh38, 1-based): chr17:47,287,122, A>T. VCF-style: chr17-47287122-A-T. GRCh37 (hg19) VCF-style: chr17-45364488-A-T.
Other names: short protein forms D277V.
Identifiers: ClinVar variation 2185566 (VCV002185566.5), dbSNP rs1299915744, ClinGen allele CA400024739.

ClinVar aggregate classification (germline): Uncertain significance. Review status: criteria provided, multiple submitters, no conflicts (2 of 4 stars). 2 submissions from 2 submitters: Uncertain significance (2). Last evaluated 2023-01-24.

Conditions:
ITGB3-related disorder. Also called: ITGB3-related condition.

Allele frequency attached by ClinVar (database versions not stated): gnomAD exomes below 0.00001; gnomAD 0.00001; TOPMed 0.00003.
gnomAD v4.1: 4 of 1,613,940 alleles (0.00025%); highest among the groups gnomAD compares: African/African-American, 0.0053%; no homozygotes.

Submissions (2):

PreventionGenetics, part of Exact Sciences
Classification: Uncertain significance for ITGB3-related condition. Last evaluated: 2023-01-24. Review status: criteria provided, single submitter. Criteria: ACMG Guidelines, 2015. Collection method: clinical testing. Allele origin: germline.
Comment: The ITGB3 c.830A>T variant is predicted to result in the amino acid substitution p.Asp277Val. To our knowledge, this variant has not been reported in the literature. This variant is reported in 0.0062% of alleles in individuals of African descent in gnomAD. At this time, the clinical significance of this variant is uncertain due to the absence of conclusive functional and genetic evidence.

Labcorp Genetics (formerly Invitae), Labcorp
Classification: Uncertain significance. Last evaluated: 2022-10-21. Review status: criteria provided, single submitter. Criteria: Invitae Variant Classification Sherloc (09022015). Collection method: clinical testing. Allele origin: germline.
Comment: This variant has not been reported in the literature in individuals affected with ITGB3-related conditions. Advanced modeling of protein sequence and biophysical properties (such as structural, functional, and spatial information, amino acid conservation, physicochemical variation, residue mobility, and thermodynamic stability) performed at Invitae indicates that this missense variant is expected to disrupt ITGB3 protein function. In summary, the available evidence is currently insufficient to determine the role of this variant in disease. Therefore, it has been classified as a Variant of Uncertain Significance. This variant is present in population databases (no rsID available, gnomAD 0.007%). This sequence change replaces aspartic acid, which is acidic and polar, with valine, which is neutral and non-polar, at codon 277 of the ITGB3 protein (p.Asp277Val).